The following is an entry in ClinVar:

ClinVar aggregate classification (germline): Likely benign. Review status: criteria provided, multiple submitters, no conflicts (2 of 4 stars). 3 submissions from 3 submitters: Likely benign (2). 1 of the submissions does not count toward it. Last evaluated 2026-08-01.

Conditions:
RUSC2-related disorder. Also called: RUSC2-related condition.

Allele frequency attached by ClinVar (database versions not stated): gnomAD 0.00001 and 0.00015; TOPMed 0.00003; gnomAD exomes 0.00023 and 0.00053; ExAC 0.00055; 1000 Genomes Project 30x 0.00094; 1000 Genomes Project 0.00120.
gnomAD v4.1: 362 of 1,613,602 alleles (0.022%); highest among the groups gnomAD compares: South Asian, 0.37%; 3 homozygotes.

Submissions (3):

CeGaT Center for Human Genetics Tuebingen
Classification: Likely benign. Last evaluated: 2026-08-01. Review status: criteria provided, single submitter. Criteria: CeGaT Center For Human Genetics Tuebingen Variant Classification Criteria Version 2. Collection method: clinical testing. Allele origin: germline. Affected: yes. Observed: 2 variant alleles.
Comment: RUSC2: BS2

Labcorp Genetics (formerly Invitae), Labcorp
Classification: Likely benign. Last evaluated: 2025-10-23. Review status: criteria provided, single submitter. Criteria: Invitae Variant Classification Sherloc (09022015). Collection method: clinical testing. Allele origin: germline.

PreventionGenetics, part of Exact Sciences
Classification: Likely benign for RUSC2-related condition. Last evaluated: 2022-10-07. Review status: no assertion criteria provided. Collection method: clinical testing. Allele origin: germline. Not counted in ClinVar's aggregate classification.
Comment: This variant is classified as likely benign based on ACMG/AMP sequence variant interpretation guidelines (Richards et al. 2015 PMID: 25741868, with internal and published modifications).

NM_014806.5(RUSC2):c.1534G>T (p.Gly512Cys)

Gene: RUSC2 (RUN and SH3 domain containing 2; plus strand). Cytogenetic location: 9p13.3.
Variant type: single nucleotide variant.
Coding change: c.1534G>T on transcript NM_014806.5 (MANE Select); coding-DNA position 1534, G replaced by T.
Protein change: p.Gly512Cys; replaces glycine 512 with cysteine.
Molecular consequence: missense variant. On other transcripts: non-coding transcript variant (1), intron variant (1).
Genome position (GRCh38, 1-based): chr9:35,548,055, G>T. VCF-style: chr9-35548055-G-T. GRCh37 (hg19) VCF-style: chr9-35548052-G-T.
Other names: c.1534G>T, p.Gly512Cys (NM_001135999.2); c.-620-7005G>T (NM_001330740.2); c.1534G>T (NM_001135999.1); short protein forms G512C.
Identifiers: ClinVar variation 1572858 (VCV001572858.12), dbSNP rs551590507, ClinGen allele CA5043666.